The following is an entry in ClinVar:

NM_001114748.2(TMEM240):c.35T>C (p.Ile12Thr)

Gene: TMEM240 (transmembrane protein 240; minus strand). Cytogenetic location: 1p36.33.
Variant type: single nucleotide variant.
Coding change: c.35T>C on transcript NM_001114748.2 (MANE Select); coding-DNA position 35, T replaced by C.
Protein change: p.Ile12Thr; replaces isoleucine 12 with threonine.
Molecular consequence: missense variant.
Genome position (GRCh38, 1-based): chr1:1,540,312, A>G on the plus strand (T>C on the coding strand, the complement: TMEM240 is on the minus strand). VCF-style: chr1-1540312-A-G. GRCh37 (hg19) VCF-style: chr1-1475692-A-G.
Other names: c.35T>C (NM_001114748.1); short protein forms I12T.
Identifiers: ClinVar variation 1355911 (VCV001355911.9), dbSNP rs1223225659, ClinGen allele CA337869589.

ClinVar aggregate classification (germline): Uncertain significance. Review status: criteria provided, multiple submitters, no conflicts (2 of 4 stars). 3 submissions from 3 submitters: Uncertain significance (3). Last evaluated 2023-08-28.

Conditions:
Spinocerebellar ataxia type 21 (SCA21). Identifiers: Orphanet 98773, MedGen C1843891, MONDO:0011833, OMIM 607454.
Inborn genetic diseases. Identifiers: MedGen C0950123, MeSH D030342.

Allele frequency attached by ClinVar (database versions not stated): gnomAD 0.00001; gnomAD exomes 0.00001.

Submissions (3):

Ambry Genetics
Classification: Uncertain significance for Inborn genetic diseases. Last evaluated: 2023-08-28. Review status: criteria provided, single submitter. Criteria: Ambry Variant Classification Scheme 2023. Collection method: clinical testing. Allele origin: germline.

Revvity Omics, Revvity
Classification: Uncertain significance for Spinocerebellar ataxia type 21. Last evaluated: 2021-11-18. Review status: criteria provided, single submitter. Criteria: ACMG Guidelines, 2015. Collection method: clinical testing. Allele origin: germline.

Labcorp Genetics (formerly Invitae), Labcorp
Classification: Uncertain significance. Last evaluated: 2021-08-27. Review status: criteria provided, single submitter. Criteria: Invitae Variant Classification Sherloc (09022015). Collection method: clinical testing. Allele origin: germline.
Comment: This sequence change replaces isoleucine with threonine at codon 12 of the TMEM240 protein (p.Ile12Thr). The isoleucine residue is weakly conserved and there is a moderate physicochemical difference between isoleucine and threonine. The frequency data for this variant in the population databases is considered unreliable, as metrics indicate insufficient coverage at this position in the ExAC database. This variant has not been reported in the literature in individuals affected with TMEM240-related conditions. Algorithms developed to predict the effect of missense changes on protein structure and function are either unavailable or do not agree on the potential impact of this missense change (SIFT: "Deleterious"; PolyPhen-2: "Benign"; Align-GVGD: "Class C0"). In summary, the available evidence is currently insufficient to determine the role of this variant in disease. Therefore, it has been classified as a Variant of Uncertain Significance.